The following is an entry in ClinVar:

ClinVar aggregate classification (germline): Conflicting classifications of pathogenicity. Review status: criteria provided, conflicting classifications (1 of 4 stars). 4 submissions from 4 submitters: Uncertain significance (3); Likely benign (1). Last evaluated 2025-04-09.

Conditions:
Dilated cardiomyopathy 1G (CMD1G). Identifiers: Orphanet 154, MedGen C1858763, MONDO:0011400, OMIM 604145.
Autosomal recessive limb-girdle muscular dystrophy type 2J (LGMDR10). Also called: Limb-girdle muscular dystrophy, type 2J; MUSCULAR DYSTROPHY, LIMB-GIRDLE, AUTOSOMAL RECESSIVE 10. Identifiers: Orphanet 140922, MedGen C1837342, MONDO:0012127, OMIM 608807.

gnomAD v4.1: 23 of 1,613,438 alleles (0.0014%); highest among the groups gnomAD compares: Non-Finnish European, 0.0019%; no homozygotes.

Submissions (4):

Molecular Diagnostic Laboratory for Inherited Cardiovascular Disease, Montreal Heart Institute
Classification: Likely benign. Last evaluated: 2025-04-09. Review status: criteria provided, single submitter. Criteria: ACMG Guidelines, 2015. Collection method: clinical testing. Allele origin: germline. Affected: no.

Revvity Omics, Revvity
Classification: Uncertain significance. Last evaluated: 2023-01-12. Review status: criteria provided, single submitter. Criteria: ACMG Guidelines, 2015. Collection method: clinical testing. Allele origin: germline.

CeGaT Center for Human Genetics Tuebingen
Classification: Uncertain significance. Last evaluated: 2022-12-01. Review status: criteria provided, single submitter. Criteria: CeGaT Center For Human Genetics Tuebingen Variant Classification Criteria Version 2. Collection method: clinical testing. Allele origin: germline. Affected: yes. Observed: 1 variant allele.
Comment: TTN: PM2

Labcorp Genetics (formerly Invitae), Labcorp
Classification: Uncertain significance for Dilated cardiomyopathy 1G; Autosomal recessive limb-girdle muscular dystrophy type 2J. Last evaluated: 2017-11-18. Review status: criteria provided, single submitter. Criteria: Invitae Variant Classification Sherloc (09022015). Collection method: clinical testing. Allele origin: germline.

NM_001267550.2(TTN):c.85450G>T (p.Asp28484Tyr)

Genes: TTN-AS1 (TTN antisense RNA 1; plus strand), TTN (titin; minus strand). Cytogenetic location: 2q31.2.
Variant type: single nucleotide variant.
Coding change: c.85450G>T on transcript NM_001267550.2 (MANE Select); coding-DNA position 85450, G replaced by T.
Protein change: p.Asp28484Tyr; replaces aspartic acid 28484 with tyrosine.
Molecular consequence: missense variant.
Genome position (GRCh38, 1-based): chr2:178,560,682, C>A on the plus strand (G>T on the coding strand, the complement: TTN is on the minus strand). VCF-style: chr2-178560682-C-A. GRCh37 (hg19) VCF-style: chr2-179425409-C-A.
Other names: c.80527G>T, p.Asp26843Tyr (NM_001256850.1); c.58255G>T, p.Asp19419Tyr (NM_003319.4); c.77746G>T, p.Asp25916Tyr (NM_133378.4); c.58630G>T, p.Asp19544Tyr (NM_133432.3); c.58831G>T, p.Asp19611Tyr (NM_133437.4); short protein forms D28484Y, D19419Y, D19544Y, D19611Y, D25916Y, D26843Y.
Identifiers: ClinVar variation 535372 (VCV000535372.31), dbSNP rs56330345, ClinGen allele CA1988640.
Genomic context (GRCh38, chr2:178,560,682, plus strand): 5'-CTCCTTCACATATTGTCCATGCAAGGTGGCTTGTTTCACGTTTTTCTACGATGTAATAGT[C>A]GATATCTGCACCACCATCTTCTTGGGGACGTCCCCAGGAAAGAGAGCATTTCTCAGCAGT-3'
Protein context (NP_001254479.2, residues 28474-28494): RPQEDGGADI[Asp28484Tyr]YYIVEKRETS